The following is an entry in ClinVar:

ClinVar aggregate classification (germline): Uncertain significance. Review status: criteria provided, multiple submitters, no conflicts (2 of 4 stars). 3 submissions from 3 submitters: Uncertain significance (3). Last evaluated 2026-01-11.

Conditions:
Noonan syndrome and Noonan-related syndrome. Identifiers: Orphanet 98733, MedGen C5681679, MONDO:0020297.
RASopathy. Also called: Noonan spectrum disorder; rasopathies. Identifiers: Orphanet 536391, MedGen C5555857, MONDO:0021060.
Cardiovascular phenotype. Identifiers: MedGen CN230736.

Allele frequency attached by ClinVar (database versions not stated): gnomAD exomes 0.00001 and below 0.00001; TOPMed below 0.00001.
gnomAD v4.1: 19 of 1,613,232 alleles (0.0012%); highest among the groups gnomAD compares: Non-Finnish European, 0.0016%; no homozygotes.

Submissions (3):

Labcorp Genetics (formerly Invitae), Labcorp
Classification: Uncertain significance for RASopathy. Last evaluated: 2026-01-11. Review status: criteria provided, single submitter. Criteria: Invitae Variant Classification Sherloc (09022015). Collection method: clinical testing. Allele origin: germline.
Comment: This sequence change replaces isoleucine, which is neutral and non-polar, with threonine, which is neutral and polar, at codon 201 of the RAF1 protein (p.Ile201Thr). This variant is present in population databases (rs369852728, gnomAD 0.0009%). This variant has not been reported in the literature in individuals affected with RAF1-related conditions. ClinVar contains an entry for this variant (Variation ID: 1334270). Invitae Evidence Modeling of protein sequence and biophysical properties (such as structural, functional, and spatial information, amino acid conservation, physicochemical variation, residue mobility, and thermodynamic stability) indicates that this missense variant is not expected to disrupt RAF1 protein function with a negative predictive value of 95%. In summary, the available evidence is currently insufficient to determine the role of this variant in disease. Therefore, it has been classified as a Variant of Uncertain Significance.

Ambry Genetics
Classification: Uncertain significance for Cardiovascular phenotype. Last evaluated: 2022-08-03. Review status: criteria provided, single submitter. Criteria: Ambry Variant Classification Scheme 2023. Collection method: clinical testing. Allele origin: germline.
Comment: The p.I201T variant (also known as c.602T>C), located in coding exon 5 of the RAF1 gene, results from a T to C substitution at nucleotide position 602. The isoleucine at codon 201 is replaced by threonine, an amino acid with similar properties. This amino acid position is conserved. In addition, this alteration is predicted to be tolerated by in silico analysis. Since supporting evidence is limited at this time, the clinical significance of this alteration remains unclear.

Genome Diagnostics Laboratory, The Hospital for Sick Children
Classification: Uncertain significance for Noonan syndrome and Noonan-related syndrome. Last evaluated: 2017-04-10. Review status: criteria provided, single submitter. Criteria: ACMG Guidelines, 2015. Collection method: clinical testing. Allele origin: germline.

NM_002880.4(RAF1):c.602T>C (p.Ile201Thr)

Gene: RAF1 (Raf-1 proto-oncogene, serine/threonine kinase; minus strand). Cytogenetic location: 3p25.2.
Variant type: single nucleotide variant.
Coding change: c.602T>C on transcript NM_002880.4 (MANE Select); coding-DNA position 602, T replaced by C.
Protein change: p.Ile201Thr; replaces isoleucine 201 with threonine.
Molecular consequence: missense variant. On other transcripts: non-coding transcript variant (3), intron variant (2).
Genome position (GRCh38, 1-based): chr3:12,606,279, A>G on the plus strand (T>C on the coding strand, the complement: RAF1 is on the minus strand). VCF-style: chr3-12606279-A-G. GRCh37 (hg19) VCF-style: chr3-12647778-A-G.
Other names: c.602T>C, p.Ile201Thr (NM_001354689.3, NM_001354690.3); c.359T>C, p.Ile120Thr (NM_001354691.3, NM_001354692.3, NM_001354694.3); c.339-1990T>C (NM_001354695.3); c.582-1990T>C (NM_001354693.3); short protein forms I120T, I201T.
Identifiers: ClinVar variation 1334270 (VCV001334270.7), dbSNP rs369852728, ClinGen allele CA69620966.